The following is an entry in ClinVar:

NM_004329.3(BMPR1A):c.1473+6dup

Gene: BMPR1A (bone morphogenetic protein receptor type 1A; plus strand). Cytogenetic location: 10q23.2.
Variant type: Duplication.
Coding change: c.1473+6dup on transcript NM_004329.3 (MANE Select); 6 bases into the intron after coding-DNA position 1473, one base duplicated (T; older notation c.1473+6dupT).
Molecular consequence: intron variant.
Genome position (GRCh38, 1-based): chr10:86,923,512, T duplicated. VCF-style (leftmost placement, unchanged base first): chr10-86923511-G-GT. GRCh37 (hg19) VCF-style: chr10-88683268-G-GT.
Other names: c.1473+6dupT (NM_004329.2).
Identifiers: ClinVar variation 529964 (VCV000529964.14), dbSNP rs1437595171, ClinGen allele CA658797472.

ClinVar aggregate classification (germline): Likely benign. Review status: criteria provided, multiple submitters, no conflicts (2 of 4 stars). 3 submissions from 3 submitters: Likely benign (3). Last evaluated 2025-09-09.

Conditions:
Juvenile polyposis syndrome (JPS). Identifiers: Orphanet 2929, MedGen C0345893, MONDO:0017380, OMIM 174900.

Allele frequency attached by ClinVar (database versions not stated): TOPMed below 0.00001.

Submissions (3):

Labcorp Genetics (formerly Invitae), Labcorp
Classification: Likely benign for Juvenile polyposis syndrome. Last evaluated: 2025-09-09. Review status: criteria provided, single submitter. Criteria: Invitae Variant Classification Sherloc (09022015). Collection method: clinical testing. Allele origin: germline.

Myriad Genetics, Inc.
Classification: Likely benign for Juvenile polyposis syndrome. Last evaluated: 2024-08-08. Review status: criteria provided, single submitter. Criteria: Myriad Autosomal Dominant, Autosomal Recessive and X-Linked Classification Criteria (2023). Collection method: clinical testing. Allele origin: unknown.
Comment: This variant is considered likely benign. This variant is intronic and is not expected to impact mRNA splicing.

GeneDx
Classification: Likely benign. Last evaluated: 2022-12-22. Review status: criteria provided, single submitter. Criteria: GeneDx Variant Classification Process June 2021. Collection method: clinical testing. Allele origin: germline. Affected: yes.
Comment: See Variant Classification Assertion Criteria.